The following is an entry in ClinVar:

ClinVar aggregate classification (germline): Conflicting classifications of pathogenicity. Review status: criteria provided, conflicting classifications (1 of 4 stars). 11 submissions from 11 submitters: Uncertain significance (2); Benign (1); Likely benign (7). 1 of the submissions does not count toward it. Last evaluated 2026-08-01.

Conditions:
Cardiovascular phenotype. Identifiers: MedGen CN230736.
Distal myopathy with posterior leg and anterior hand involvement. Also called: WILLIAMS DISTAL MYOPATHY. Identifiers: Orphanet 63273, MedGen C3279722, MONDO:0013550, OMIM 614065.
Hypertrophic cardiomyopathy 26. Also called: Cardiomyopathy, familial hypertrophic, 26. Identifiers: Orphanet 75249, MedGen C4310749, MONDO:0014883, OMIM 617047.
Myofibrillar myopathy 5. Also called: Filaminopathy (type); FILAMINOPATHY, AUTOSOMAL DOMINANT. Identifiers: Orphanet 171445, MedGen C1836050, MONDO:0012289, OMIM 609524.
FLNC-related disorder. Also called: FLNC-related condition; FLNC-related disorders.
Cardiomyopathy (CMYO). Also called: Cardiomyopathies. Identifiers: Orphanet 167848, MedGen C0878544, MONDO:0004994, HP:0001638. Inheritance: Various modes of inheritance.

Allele frequency attached by ClinVar (database versions not stated): gnomAD 0.00019 and 0.00020; ESP Exome Variant Server 0.00024; ExAC 0.00028; TOPMed 0.00029; gnomAD exomes 0.00032 and 0.00049.
gnomAD v4.1: 736 of 1,613,498 alleles (0.046%); highest among the groups gnomAD compares: Admixed American, 0.058%; no homozygotes.

Submissions (11):

CeGaT Center for Human Genetics Tuebingen
Classification: Likely benign. Last evaluated: 2026-08-01. Review status: criteria provided, single submitter. Criteria: CeGaT Center For Human Genetics Tuebingen Variant Classification Criteria Version 2. Collection method: clinical testing. Allele origin: germline. Affected: yes. Observed: 3 variant alleles.
Comment: FLNC: BP4, BS2

Molecular Diagnostic Laboratory for Inherited Cardiovascular Disease, Montreal Heart Institute
Classification: Likely benign. Last evaluated: 2026-03-27. Review status: criteria provided, single submitter. Criteria: ACMG Guidelines, 2015. Collection method: clinical testing. Allele origin: germline. Affected: no.
Comment: BS1

Labcorp Genetics (formerly Invitae), Labcorp
Classification: Likely benign for Distal myopathy with posterior leg and anterior hand involvement; Myofibrillar myopathy 5; Hypertrophic cardiomyopathy 26. Last evaluated: 2026-02-03. Review status: criteria provided, single submitter. Criteria: Invitae Variant Classification Sherloc (09022015). Collection method: clinical testing. Allele origin: germline.

Revvity Omics, Revvity
Classification: Uncertain significance. Last evaluated: 2025-04-16. Review status: criteria provided, single submitter. Criteria: ACMG Guidelines, 2015. Collection method: clinical testing. Allele origin: germline.

ARUP Laboratories, Molecular Genetics and Genomics, ARUP Laboratories
Classification: Uncertain significance. Last evaluated: 2025-04-08. Review status: criteria provided, single submitter. Criteria: ARUP Molecular Germline Variant Investigation Process 2024. Collection method: clinical testing. Allele origin: germline.
Comment: The FLNC c.2128G>A; p.Asp710Asn variant (rs370035829, ClinVar Variation ID 471997) is reported in the literature in at least one individual affected with hypertrophic cardiomyopathy (Gomez 2017) but was also reported in healthy controls (Gomez 2017, Jensson 2023). This variant is found in the general population with an overall allele frequency of 0.031% (86/279874 alleles) in the Genome Aggregation Database (v2.1.1). Computational analyses are uncertain whether this variant is neutral or deleterious (REVEL: 0.298). Due to limited information, the clinical significance of this variant is uncertain at this time. References: Gomez J et al. Screening of the Filamin C Gene in a Large Cohort of Hypertrophic Cardiomyopathy Patients. Circ Cardiovasc Genet. 2017 Apr;10(2):e001584. PMID: 28356264. Jensson BO et al. Actionable Genotypes and Their Association with Life Span in Iceland. N Engl J Med. 2023 Nov 9;389(19):1741-1752. PMID: 37937776.

Women's Health and Genetics/Laboratory Corporation of America, LabCorp
Classification: Likely benign. Last evaluated: 2024-11-18. Review status: criteria provided, single submitter. Criteria: LabCorp Variant Classification Summary - May 2015. Collection method: clinical testing. Allele origin: germline.
Comment: Variant summary: FLNC c.2128G>A (p.Asp710Asn) results in a conservative amino acid change located in the Filamin/ABP280 repeat-like domain (IPR017868) of the encoded protein sequence. Four of five in-silico tools predict a benign effect of the variant on protein function. The variant allele was found at a frequency of 0.00032 in 248492 control chromosomes, predominantly at a frequency of 0.00087 within the Latino subpopulation in the gnomAD database. The observed variant frequency within Latino control individuals in the gnomAD database is approximately 111-fold of the estimated maximal expected allele frequency for a pathogenic variant in FLNC causing Dilated Cardiomyopathy phenotype (7.8e-06). c.2128G>A has been reported in the literature (example: Jensson_2023) without strong evidence for or against pathogenicity. To our knowledge, no experimental evidence demonstrating an impact on protein function has been reported. The following publication has been ascertained in the context of this evaluation (PMID: 37937776). ClinVar contains an entry for this variant (Variation ID: 471997). Based on the evidence outlined above, the variant was classified as likely benign.

Blueprint Genetics
Classification: Likely benign. Last evaluated: 2024-10-31. Review status: criteria provided, single submitter. Criteria: ACMG Guidelines, 2015. Collection method: clinical testing. Allele origin: germline.

CHEO Genetics Diagnostic Laboratory, Children's Hospital of Eastern Ontario
Classification: Likely benign for Cardiomyopathy. Last evaluated: 2023-02-13. Review status: criteria provided, single submitter. Criteria: ACMG Guidelines, 2015. Collection method: clinical testing. Allele origin: germline.

Mayo Clinic Laboratories, Mayo Clinic
Classification: Benign. Last evaluated: 2021-09-14. Review status: criteria provided, single submitter. Criteria: ACMG Guidelines, 2015. Collection method: clinical testing. Allele origin: germline. Observed: 2 variant alleles.
Comment: BS1, BS2

Ambry Genetics
Classification: Likely benign for Cardiovascular phenotype. Last evaluated: 2021-07-28. Review status: criteria provided, single submitter. Criteria: Ambry Variant Classification Scheme 2023. Collection method: clinical testing. Allele origin: germline.

PreventionGenetics, part of Exact Sciences
Classification: Likely benign for FLNC-related condition. Last evaluated: 2023-03-27. Review status: no assertion criteria provided. Collection method: clinical testing. Allele origin: germline. Not counted in ClinVar's aggregate classification.
Comment: This variant is classified as likely benign based on ACMG/AMP sequence variant interpretation guidelines (Richards et al. 2015 PMID: 25741868, with internal and published modifications).

Literature cited by the submitters: PubMed 37937776 (cited by Women's Health and Genetics/Laboratory Corporation of America, LabCorp); PubMed 26555887 (cited by Ambry Genetics); PubMed 28356264 (cited by Ambry Genetics).

NM_001458.5(FLNC):c.2128G>A (p.Asp710Asn)

Genes: FLNC (filamin C; plus strand), LOC129999273 (ATAC-STARR-seq lymphoblastoid silent region 18616; plus strand). Cytogenetic location: 7q32.1.
Variant type: single nucleotide variant.
Coding change: c.2128G>A on transcript NM_001458.5 (MANE Select); coding-DNA position 2128, G replaced by A.
Protein change: p.Asp710Asn; replaces aspartic acid 710 with asparagine.
Molecular consequence: missense variant.
Genome position (GRCh38, 1-based): chr7:128,842,237, G>A. VCF-style: chr7-128842237-G-A. GRCh37 (hg19) VCF-style: chr7-128482291-G-A.
Other names: p.Asp710Asn; c.2128G>A, p.Asp710Asn (NM_001127487.2); short protein forms D710N.
Identifiers: ClinVar variation 471997 (VCV000471997.25), dbSNP rs370035829, ClinGen allele CA4474611.
Genomic context (GRCh38, chr7:128,842,237, plus strand): 5'-GAGGGCGCTCTGCAGAGGCCACAGCTATGAACTTTGCTTGGGTGATGCCCACAGGACGCC[G>A]ACGGCTGTCCCATCGACATCAAGGTGATCCCCAACGGCGACGGCACCTTCCGCTGCTCCT-3'
Protein context (NP_001449.3, residues 700-720): GDLKLYAQDA[Asp710Asn]GCPIDIKVIP